The following is an entry in ClinVar:

NM_012309.5(SHANK2):c.1854-61C>T

Gene: SHANK2 (SH3 and multiple ankyrin repeat domains 2; minus strand). Cytogenetic location: 11q13.4.
Variant type: single nucleotide variant.
Coding change: c.1854-61C>T on transcript NM_012309.5 (MANE Select); 61 bases into the intron before coding-DNA position 1854, C replaced by T.
Molecular consequence: intron variant. On other transcripts: missense variant (7), non-coding transcript variant (1).
Genome position (GRCh38, 1-based): chr11:70,661,739, G>A on the plus strand (C>T on the coding strand, the complement: SHANK2 is on the minus strand). VCF-style: chr11-70661739-G-A. GRCh37 (hg19) VCF-style: chr11-70507844-G-A.
Other names: c.29C>T, p.Ala10Val (NM_001441042.1, NM_001441043.1, NM_001441044.1 and 4 more transcripts); c.1854-61C>T (NM_001441030.1, NM_001441032.1, NM_001441037.1 and 11 more transcripts); c.1782-61C>T (NM_001441038.1); c.2025-61C>T (NM_001441024.1); c.717-61C>T (NM_001441041.1, NM_001441040.1, NM_001379226.1); short protein forms A10V.
Identifiers: ClinVar variation 4874574 (VCV004874574.2).
Genomic context (GRCh38, chr11:70,661,739, plus strand): 5'-CTGTAGAGAGAATTCCGGGGACAGCGACCATTATTGTAGCCCGTCATCATCACCGCGGCC[G>A]CTCCTCCGCCGGGGACGTTCATCATCATAGCCAATTAATCACCCCAGCTCGCCAGATCCA-3'

ClinVar aggregate classification (germline): Uncertain significance (1 of 4 stars; one submission).

gnomAD v4.1: 3 of 1,613,994 alleles (0.00019%); highest among the groups gnomAD compares: South Asian, 0.0022%; no homozygotes.

Submission:

CeGaT Center for Human Genetics Tuebingen
Classification: Uncertain significance. Last evaluated: 2026-04-01. Review status: criteria provided, single submitter. Criteria: CeGaT Center For Human Genetics Tuebingen Variant Classification Criteria Version 2. Collection method: clinical testing. Allele origin: germline. Affected: yes. Observed: 1 variant allele.
Comment: SHANK2: PM2, BP4